The following is an entry in ClinVar:

NM_000465.4(BARD1):c.2027A>C (p.Tyr676Ser)

Gene: BARD1 (BRCA1 associated RING domain 1; minus strand). Cytogenetic location: 2q35.
Variant type: single nucleotide variant.
Coding change: c.2027A>C on transcript NM_000465.4 (MANE Select); coding-DNA position 2027, A replaced by C.
Protein change: p.Tyr676Ser; replaces tyrosine 676 with serine.
Molecular consequence: missense variant. On other transcripts: non-coding transcript variant (3).
Genome position (GRCh38, 1-based): chr2:214,728,983, T>G on the plus strand (A>C on the coding strand, the complement: BARD1 is on the minus strand). VCF-style: chr2-214728983-T-G. GRCh37 (hg19) VCF-style: chr2-215593707-T-G.
Other names: c.1970A>C, p.Tyr657Ser (NM_001282543.2); c.674A>C, p.Tyr225Ser (NM_001282545.2); c.617A>C, p.Tyr206Ser (NM_001282548.2); c.488A>C, p.Tyr163Ser (NM_001282549.2); short protein forms Y676S, Y206S, Y225S, Y163S, Y657S.
Identifiers: ClinVar variation 485325 (VCV000485325.23), dbSNP rs770917842, ClinGen allele CA2090086.

ClinVar aggregate classification (germline): Uncertain significance. Review status: criteria provided, multiple submitters, no conflicts (2 of 4 stars). 5 submissions from 5 submitters: Uncertain significance (5). Last evaluated 2024-12-31.

Conditions:
Familial cancer of breast. Also called: BREAST CANCER, FAMILIAL; Hereditary breast cancer; hereditary breast carcinoma. Identifiers: Orphanet 227535, MedGen C0346153, MONDO:0016419, OMIM 114480. Disease mechanism: loss of function.
Hereditary cancer-predisposing syndrome. Also called: Neoplastic Syndromes, Hereditary; Tumor predisposition; Hereditary Cancer Syndrome; Hereditary neoplastic syndrome. Identifiers: Orphanet 140162, MedGen C0027672, MeSH D009386, MONDO:0015356.

Allele frequency attached by ClinVar (database versions not stated): TOPMed below 0.00001; ExAC 0.00001.
gnomAD v4.1: 3 of 1,614,080 alleles (0.00019%); highest among the groups gnomAD compares: Non-Finnish European, 0.00025%; no homozygotes.

Submissions (5):

GeneDx
Classification: Uncertain significance. Last evaluated: 2024-12-31. Review status: criteria provided, single submitter. Criteria: GeneDx Variant Classification Process June 2021. Collection method: clinical testing. Allele origin: germline. Affected: yes.
Comment: Not observed at significant frequency in large population cohorts (gnomAD); In silico analysis supports that this missense variant has a deleterious effect on protein structure/function; Has not been previously published as pathogenic or benign to our knowledge; This variant is associated with the following publications: (PMID: 17550235, 33471991)

Color Diagnostics, LLC DBA Color Health
Classification: Uncertain significance for Hereditary cancer-predisposing syndrome. Last evaluated: 2024-12-17. Review status: criteria provided, single submitter. Criteria: ACMG Guidelines, 2015. Collection method: clinical testing. Allele origin: germline.
Comment: This missense variant replaces tyrosine with serine at codon 676 of the BARD1 protein. Computational prediction suggests that this variant may not impact protein structure and function. To our knowledge, functional studies have not been reported for this variant. This variant has not been reported in individuals affected with hereditary cancer in the literature. This variant has been identified in 1/250956 chromosomes in the general population by the Genome Aggregation Database (gnomAD). The available evidence is insufficient to determine the role of this variant in disease conclusively. Therefore, this variant is classified as a Variant of Uncertain Significance.

Labcorp Genetics (formerly Invitae), Labcorp
Classification: Uncertain significance for Familial cancer of breast. Last evaluated: 2024-06-24. Review status: criteria provided, single submitter. Criteria: Invitae Variant Classification Sherloc (09022015). Collection method: clinical testing. Allele origin: germline.
Comment: This sequence change replaces tyrosine, which is neutral and polar, with serine, which is neutral and polar, at codon 676 of the BARD1 protein (p.Tyr676Ser). This variant is present in population databases (rs770917842, gnomAD 0.0009%). This variant has not been reported in the literature in individuals affected with BARD1-related conditions. ClinVar contains an entry for this variant (Variation ID: 485325). An algorithm developed to predict the effect of missense changes on protein structure and function (PolyPhen-2) suggests that this variant is likely to be disruptive. In summary, the available evidence is currently insufficient to determine the role of this variant in disease. Therefore, it has been classified as a Variant of Uncertain Significance.

Ambry Genetics
Classification: Uncertain significance for Hereditary cancer-predisposing syndrome. Last evaluated: 2024-06-08. Review status: criteria provided, single submitter. Criteria: Ambry Variant Classification Scheme 2023. Collection method: clinical testing. Allele origin: germline.
Comment: The p.Y676S variant (also known as c.2027A>C), located in coding exon 11 of the BARD1 gene, results from an A to C substitution at nucleotide position 2027. The tyrosine at codon 676 is replaced by serine, an amino acid with dissimilar properties. This amino acid position is well conserved in available vertebrate species. In addition, this alteration is predicted to be tolerated by in silico analysis. Since supporting evidence is limited at this time, the clinical significance of this alteration remains unclear.

Sema4
Classification: Uncertain significance for Hereditary cancer-predisposing syndrome. Last evaluated: 2021-10-09. Review status: criteria provided, single submitter. Criteria: Sema4 Curation Guidelines. Collection method: curation. Allele origin: germline.
Comment: To the best of our knowledge, the BARD1 c.2027A>C (p.Y676S) variant has not been reported in individuals with BARD1-related disease. In a case-control analysis for breast cancer, the variant has been reported in 1/53461 controls but was absent in 60466 cases (PMID: 33471991). It was observed in 1/113354 chromosomes of the Non-Finnish European subpopulation in the large and broad cohorts of the Genome Aggregation Database (PMID: 32461654). The variant has been reported in ClinVar (Variation ID 485325). Functional studies have not been performed, and in silico predictions of the variant's effect on protein function are inconclusive. The evidence is insufficient to meet ACMG/AMP criteria for classifying the variant as benign or pathogenic. Thus, the clinical significance of this variant is currently uncertain.

Literature cited by the submitters: PubMed 33471991 (cited by Sema4).